The following is an entry in ClinVar:

NM_207361.6(FREM2):c.1549G>A (p.Val517Met)

Gene: FREM2 (FRAS1 related extracellular matrix 2; plus strand). Cytogenetic location: 13q13.3.
Variant type: single nucleotide variant.
Coding change: c.1549G>A on transcript NM_207361.6 (MANE Select); coding-DNA position 1549, G replaced by A.
Protein change: p.Val517Met; replaces valine 517 with methionine.
Molecular consequence: missense variant.
Genome position (GRCh38, 1-based): chr13:38,688,893, G>A. VCF-style: chr13-38688893-G-A. GRCh37 (hg19) VCF-style: chr13-39263030-G-A.
Other names: short protein forms V517M.
Identifiers: ClinVar variation 3375342 (VCV003375342.1).

ClinVar aggregate classification (germline): Uncertain significance (1 of 4 stars; one submission).

gnomAD v4.1: 12 of 1,613,044 alleles (0.00074%); highest among the groups gnomAD compares: East Asian, 0.02%; no homozygotes.

Submission:

Women's Health and Genetics/Laboratory Corporation of America, LabCorp
Classification: Uncertain significance. Last evaluated: 2024-09-20. Review status: criteria provided, single submitter. Criteria: LabCorp Variant Classification Summary - May 2015. Collection method: clinical testing. Allele origin: germline.
Comment: Variant summary: FREM2 c.1549G>A (p.Val517Met) results in a conservative amino acid change in the encoded protein sequence. Three of five in-silico tools predict a damaging effect of the variant on protein function. The variant allele was found at a frequency of 2e-05 in 248544 control chromosomes. The available data on variant occurrences in the general population are insufficient to allow any conclusion about variant significance. c.1549G>A has been reported in the literature in individuals affected with Cryptophthalmos Syndrome (Kantaputra_2023). These report(s) do not provide unequivocal conclusions about association of the variant with Cryptophthalmos Syndrome. To our knowledge, no experimental evidence demonstrating an impact on protein function has been reported. The following publication have been ascertained in the context of this evaluation (PMID: 37046432). No submitters have cited clinical-significance assessments for this variant to ClinVar. Based on the evidence outlined above, the variant was classified as uncertain significance.

Literature cited by the submitters: PubMed 37046432.